The following is an entry in ClinVar:

ClinVar aggregate classification (germline): Uncertain significance (1 of 4 stars; one submission).

Conditions:
Inborn genetic diseases. Identifiers: MedGen C0950123, MeSH D030342.

Allele frequency attached by ClinVar (database versions not stated): gnomAD exomes below 0.00001; gnomAD 0.00001; TOPMed 0.00002.
gnomAD v4.1: 3 of 1,614,040 alleles (0.00019%); highest among the groups gnomAD compares: African/African-American, 0.0027%; no homozygotes.

Submission:

Ambry Genetics
Classification: Uncertain significance for Inborn genetic diseases. Last evaluated: 2024-02-22. Review status: criteria provided, single submitter. Criteria: Ambry Variant Classification Scheme 2023. Collection method: clinical testing. Allele origin: germline.
Comment: The p.Y726C variant (also known as c.2177A>G), located in coding exon 17 of the BUB1B gene, results from an A to G substitution at nucleotide position 2177. The tyrosine at codon 726 is replaced by cysteine, an amino acid with highly dissimilar properties. This amino acid position is conserved. In addition, this alteration is predicted to be tolerated by in silico analysis. Since supporting evidence is limited at this time, the clinical significance of this alteration remains unclear.

NM_001211.6(BUB1B):c.2177A>G (p.Tyr726Cys)

Gene: BUB1B (BUB1 mitotic checkpoint serine/threonine kinase B; plus strand). Cytogenetic location: 15q15.1.
Variant type: single nucleotide variant.
Coding change: c.2177A>G on transcript NM_001211.6 (MANE Select); coding-DNA position 2177, A replaced by G.
Protein change: p.Tyr726Cys; replaces tyrosine 726 with cysteine.
Molecular consequence: missense variant.
Genome position (GRCh38, 1-based): chr15:40,209,668, A>G. VCF-style: chr15-40209668-A-G. GRCh37 (hg19) VCF-style: chr15-40501869-A-G.
Other names: short protein forms Y726C.
Identifiers: ClinVar variation 1787194 (VCV001787194.2), dbSNP rs1409451388, ClinGen allele CA391694243.
Genomic context (GRCh38, chr15:40,209,668, plus strand): 5'-ATTTTCACCTTTCCCTCCCACTGGCAGAAAACCCTACTCAGTCACCATGGTGTTCACAGT[A>G]TCGCAGACAGCTACTGAAGTCCCTACCAGAGTTAAGTGCCTCTGCAGAGTTGTGTATAGA-3'
Protein context (NP_001202.5, residues 716-736): NPTQSPWCSQ[Tyr726Cys]RRQLLKSLPE